The following is an entry in ClinVar:

ClinVar aggregate classification (germline): Pathogenic (1 of 4 stars; one submission).

Conditions:
Familial adenomatous polyposis 1 (FAP1). Also called: FAMILIAL ADENOMATOUS POLYPOSIS 1, ATTENUATED; POLYPOSIS, ADENOMATOUS INTESTINAL. Identifiers: MedGen C2713442, MONDO:0021056, OMIM 175100. Disease mechanism: loss of function.

Submission:

Labcorp Genetics (formerly Invitae), Labcorp
Classification: Pathogenic for Familial adenomatous polyposis 1. Last evaluated: 2023-03-31. Review status: criteria provided, single submitter. Criteria: Invitae Variant Classification Sherloc (09022015). Collection method: clinical testing. Allele origin: germline.
Comment: For these reasons, this variant has been classified as Pathogenic. This sequence change creates a premature translational stop signal (p.Gln1935Serfs*35) in the APC gene. While this is not anticipated to result in nonsense mediated decay, it is expected to disrupt the last 909 amino acid(s) of the APC protein. This variant is not present in population databases (gnomAD no frequency). This variant has not been reported in the literature in individuals affected with APC-related conditions. ClinVar contains an entry for this variant (Variation ID: 837421). This variant is expected to disrupt the EB1 and HDLG binding sites, which mediate interactions with the cytoskeleton (PMID: 15311282, 17293347). While functional studies have not been performed to directly test the effect on APC protein function, this suggests that disruption of the C-terminal portion of the protein is functionally important. A different truncation (p.Tyr2645Lysfs*14) that lies downstream of this variant has been determined to be pathogenic (PMID: 9824584, 1316610, 27081525, 8381579, 22135120, Invitae). This suggests that deletion of this region of the APC protein is causative of disease.

Literature cited by the submitters: PubMed 15311282; PubMed 17293347; PubMed 9824584; PubMed 1316610; PubMed 27081525; PubMed 8381579; PubMed 22135120.

NM_000038.6(APC):c.5799del (p.Gln1935fs)

Gene: APC (APC regulator of Wnt signaling pathway; plus strand). Cytogenetic location: 5q22.2.
Variant type: Deletion.
Coding change: c.5799del on transcript NM_000038.6 (MANE Select); coding-DNA position 5799, one base deleted (T; older notation c.5799delT).
Protein change: p.Gln1935fs; shifts the reading frame from glutamine 1935.
Molecular consequence: frameshift variant.
Genome position (GRCh38, 1-based): chr5:112,841,393, T deleted; the last of 4 consecutive T bases (chr5:112,841,390-112,841,393); deleting any one gives the same sequence. VCF-style (leftmost placement, unchanged base first): chr5-112841389-CT-C. GRCh37 (hg19) VCF-style: chr5-112177086-CT-C.
Other names: c.5799del, p.Gln1935fs (NM_001127510.3, NM_001354895.2); c.5745del, p.Gln1917fs (NM_001127511.3); c.5853del, p.Gln1953fs (NM_001354896.2); c.5829del, p.Gln1945fs (NM_001354897.2); c.5724del, p.Gln1910fs (NM_001354898.2); c.5715del, p.Gln1907fs (NM_001354899.2); c.5676del, p.Gln1894fs (NM_001354900.2); c.5622del, p.Gln1876fs (NM_001354901.2); and 5 more; short protein forms Q1834fs, Q1844fs, Q1894fs, Q1907fs, Q1652fs, Q1775fs, Q1809fs, Q1910fs.
Identifiers: ClinVar variation 837421 (VCV000837421.11), dbSNP rs1766047961, ClinGen allele CA916079923.
Genomic context (GRCh38, chr5:112,841,389, plus strand): 5'-CTATTGCAAAGCAGCCAATAAATCGAGGTCAGCCTAAACCCATACTTCAGAAACAATCCA[CT>C]TTTCCCCAGTCATCCAAAGACATACCAGACAGAGGGGCAGCAACTGATGAAAAGTTACAG-3'